The following is an entry in ClinVar:

NM_001286.5(CLCN6):c.1357C>T (p.Leu453Phe)

Gene: CLCN6 (chloride voltage-gated channel 6; plus strand). Cytogenetic location: 1p36.22.
Variant type: single nucleotide variant.
Coding change: c.1357C>T on transcript NM_001286.5 (MANE Select); coding-DNA position 1357, C replaced by T.
Protein change: p.Leu453Phe; replaces leucine 453 with phenylalanine.
Molecular consequence: missense variant. On other transcripts: non-coding transcript variant (1).
Genome position (GRCh38, 1-based): chr1:11,833,623, C>T. VCF-style: chr1-11833623-C-T. GRCh37 (hg19) VCF-style: chr1-11893680-C-T.
Other names: c.1291C>T, p.Leu431Phe (NM_001256959.2); short protein forms L431F, L453F.
Identifiers: ClinVar variation 1503318 (VCV001503318.6), dbSNP rs374183427, ClinGen allele CA596434.

ClinVar aggregate classification (germline): Uncertain significance (1 of 4 stars; one submission).

Allele frequency attached by ClinVar (database versions not stated): gnomAD exomes 0.00001 and 0.00004; TOPMed 0.00001; ExAC 0.00002; gnomAD 0.00002; ESP Exome Variant Server 0.00008.
gnomAD v4.1: 66 of 1,613,674 alleles (0.0041%); highest among the groups gnomAD compares: Non-Finnish European, 0.0053%; no homozygotes.

Submission:

Labcorp Genetics (formerly Invitae), Labcorp
Classification: Uncertain significance. Last evaluated: 2024-06-04. Review status: criteria provided, single submitter. Criteria: Invitae Variant Classification Sherloc (09022015). Collection method: clinical testing. Allele origin: germline.
Comment: This sequence change replaces leucine, which is neutral and non-polar, with phenylalanine, which is neutral and non-polar, at codon 453 of the CLCN6 protein (p.Leu453Phe). This variant is present in population databases (rs374183427, gnomAD 0.002%). This variant has not been reported in the literature in individuals affected with CLCN6-related conditions. ClinVar contains an entry for this variant (Variation ID: 1503318). An algorithm developed to predict the effect of missense changes on protein structure and function (PolyPhen-2) suggests that this variant is likely to be disruptive. In summary, the available evidence is currently insufficient to determine the role of this variant in disease. Therefore, it has been classified as a Variant of Uncertain Significance.